The following is an entry in ClinVar:

ClinVar aggregate classification (germline): Uncertain significance. Review status: criteria provided, multiple submitters, no conflicts (2 of 4 stars). 2 submissions from 2 submitters: Uncertain significance (2). Last evaluated 2025-07-02.

gnomAD v4.1: 63 of 1,208,420 alleles (0.0052%); highest among the groups gnomAD compares: Non-Finnish European, 0.0067%; no homozygotes.

Submissions (2):

Ambry Genetics
Classification: Uncertain significance. Last evaluated: 2025-07-02. Review status: criteria provided, single submitter. Criteria: Ambry Variant Classification Scheme 2023. Collection method: clinical testing. Allele origin: germline.

Labcorp Genetics (formerly Invitae), Labcorp
Classification: Uncertain significance. Last evaluated: 2024-12-25. Review status: criteria provided, single submitter. Criteria: Invitae Variant Classification Sherloc (09022015). Collection method: clinical testing. Allele origin: germline.
Comment: This sequence change replaces serine, which is neutral and polar, with leucine, which is neutral and non-polar, at codon 582 of the TLR7 protein (p.Ser582Leu). This variant is present in population databases (rs200956250, gnomAD 0.009%). This variant has not been reported in the literature in individuals affected with TLR7-related conditions. An algorithm developed to predict the effect of missense changes on protein structure and function (PolyPhen-2) suggests that this variant is likely to be tolerated. In summary, the available evidence is currently insufficient to determine the role of this variant in disease. Therefore, it has been classified as a Variant of Uncertain Significance.

NM_016562.4(TLR7):c.1745C>T (p.Ser582Leu)

Gene: TLR7 (toll like receptor 7; plus strand). Cytogenetic location: Xp22.2.
Variant type: single nucleotide variant.
Coding change: c.1745C>T on transcript NM_016562.4 (MANE Select); coding-DNA position 1745, C replaced by T.
Protein change: p.Ser582Leu; replaces serine 582 with leucine.
Molecular consequence: missense variant.
Genome position (GRCh38, 1-based): chrX:12,887,253, C>T. VCF-style: chrX-12887253-C-T. GRCh37 (hg19) VCF-style: chrX-12905372-C-T.
Other names: c.1745C>T (NM_016562.3); short protein forms S582L.
Identifiers: ClinVar variation 3716215 (VCV003716215.3).
Genomic context (GRCh38, chrX:12,887,253, plus strand): 5'-TTGAAGAGCTTCACAAACTGGAAGTTCTGGATATAAGCAGTAATAGCCATTATTTTCAAT[C>T]AGAAGGAATTACTCATATGCTAAACTTTACCAAGAACCTAAAGGTTCTGCAGAAACTGAT-3'
Protein context (NP_057646.1, residues 572-592): DISSNSHYFQ[Ser582Leu]EGITHMLNFT